The following is an entry in ClinVar:

NM_001257291.2(SLC9A7):c.1902_1904delinsTACA (p.Cys635fs)

Gene: SLC9A7 (solute carrier family 9 member A7; minus strand). Cytogenetic location: Xp11.3.
Variant type: Indel.
Coding change: c.1902_1904delinsTACA on transcript NM_001257291.2 (MANE Select); coding-DNA positions 1902 to 1904, ATG replaced by TACA.
Protein change: p.Cys635fs; shifts the reading frame from cysteine 635.
Molecular consequence: frameshift variant.
Genome position (GRCh38, 1-based): chrX:46,613,314-46,613,316, CAT replaced by TGTA on the plus strand (ATG replaced by TACA on the coding strand, the reverse complement: SLC9A7 is on the minus strand). VCF-style: chrX-46613314-CAT-TGTA. GRCh37 (hg19) VCF-style: chrX-46472749-CAT-TGTA.
Other names: c.1899_1901delinsTACA, p.Cys634fs (NM_032591.3); short protein forms C634fs, C635fs.
Identifiers: ClinVar variation 3367577 (VCV003367577.1).

ClinVar aggregate classification (germline): Uncertain significance (1 of 4 stars; one submission).

Submission:

GeneDx
Classification: Uncertain significance. Last evaluated: 2024-01-07. Review status: criteria provided, single submitter. Criteria: GeneDx Variant Classification Process June 2021. Collection method: clinical testing. Allele origin: germline. Affected: yes.
Comment: Not observed at significant frequency in large population cohorts (gnomAD); Frameshift variant predicted to result in abnormal protein length as the last 92 amino acids are replaced with 9 different amino acids in a gene for which loss-of-function is not a known mechanism of disease; Has not been previously published as pathogenic or benign to our knowledge